The following is an entry in ClinVar:

ClinVar aggregate classification (germline): Uncertain significance. Review status: criteria provided, multiple submitters, no conflicts (2 of 4 stars). 2 submissions from 2 submitters: Uncertain significance (2). Last evaluated 2023-10-19.

Conditions:
Alstrom syndrome (ALMS). Identifiers: Orphanet 64, MedGen C0268425, MONDO:0008763, OMIM 203800.

Submissions (2):

Labcorp Genetics (formerly Invitae), Labcorp
Classification: Uncertain significance for Alstrom syndrome. Last evaluated: 2023-10-19. Review status: criteria provided, single submitter. Criteria: Invitae Variant Classification Sherloc (09022015). Collection method: clinical testing. Allele origin: germline.
Comment: This sequence change replaces tyrosine, which is neutral and polar, with cysteine, which is neutral and slightly polar, at codon 3338 of the ALMS1 protein (p.Tyr3338Cys). This variant is not present in population databases (gnomAD no frequency). This variant has not been reported in the literature in individuals affected with ALMS1-related conditions. ClinVar contains an entry for this variant (Variation ID: 1345272). Experimental studies and prediction algorithms are not available or were not evaluated, and the functional significance of this variant is currently unknown. In summary, the available evidence is currently insufficient to determine the role of this variant in disease. Therefore, it has been classified as a Variant of Uncertain Significance.

Fulgent Genetics
Classification: Uncertain significance for Alstrom syndrome. Last evaluated: 2021-07-29. Review status: criteria provided, single submitter. Criteria: ACMG Guidelines, 2015. Collection method: clinical testing. Allele origin: unknown.

NM_001378454.1(ALMS1):c.10010A>G (p.Tyr3337Cys)

Gene: ALMS1 (ALMS1 centrosome and basal body associated protein; plus strand). Cytogenetic location: 2p13.1.
Variant type: single nucleotide variant.
Coding change: c.10010A>G on transcript NM_001378454.1 (MANE Select); coding-DNA position 10010, A replaced by G.
Protein change: p.Tyr3337Cys; replaces tyrosine 3337 with cysteine.
Molecular consequence: missense variant.
Genome position (GRCh38, 1-based): chr2:73,550,369, A>G. VCF-style: chr2-73550369-A-G. GRCh37 (hg19) VCF-style: chr2-73777496-A-G.
Other names: c.10013A>G, p.Tyr3338Cys (NM_015120.4); short protein forms Y3337C, Y3338C.
Identifiers: ClinVar variation 1345272 (VCV001345272.7), dbSNP rs1674404167, ClinGen allele CA347272183.